The following is an entry in ClinVar:

NM_002461.3(MVD):c.746T>C (p.Phe249Ser)

Gene: MVD (mevalonate diphosphate decarboxylase; minus strand). Cytogenetic location: 16q24.2.
Variant type: single nucleotide variant.
Coding change: c.746T>C on transcript NM_002461.3 (MANE Select); coding-DNA position 746, T replaced by C.
Protein change: p.Phe249Ser; replaces phenylalanine 249 with serine.
Molecular consequence: missense variant.
Genome position (GRCh38, 1-based): chr16:88,655,350, A>G on the plus strand (T>C on the coding strand, the complement: MVD is on the minus strand). VCF-style: chr16-88655350-A-G. GRCh37 (hg19) VCF-style: chr16-88721758-A-G.
Other names: c.746T>C (NM_002461.2); short protein forms F249S.
Identifiers: ClinVar variation 253039 (VCV000253039.7), dbSNP rs761991070, ClinGen allele CA8228757.

ClinVar aggregate classification (germline): Pathogenic/Likely pathogenic. Review status: criteria provided, multiple submitters, no conflicts (2 of 4 stars). 4 submissions from 4 submitters: Pathogenic (1); Likely pathogenic (1). 2 of the submissions do not count toward it. Last evaluated 2024-10-09.

Conditions:
MVD-related disorder. Also called: MVD-related condition.
Porokeratosis 7, multiple types. Also called: POROK7. Identifiers: MedGen C3553549, MONDO:0013868, OMIM 614714.

Allele frequency attached by ClinVar (database versions not stated): gnomAD 0.00002; gnomAD exomes 0.00002 and 0.00005; TOPMed 0.00002; ExAC 0.00013.
gnomAD v4.1: 35 of 1,602,610 alleles (0.0022%); highest among the groups gnomAD compares: East Asian, 0.077%; no homozygotes.

Submissions (4):

Victorian Clinical Genetics Services, Murdoch Childrens Research Institute
Classification: Pathogenic for Porokeratosis 7, multiple types. Last evaluated: 2024-10-09. Review status: criteria provided, single submitter. Criteria: ACMG Guidelines, 2015. Collection method: clinical testing. Allele origin: germline. Inheritance: Autosomal dominant inheritance. Affected: yes.
Comment: Based on the classification scheme VCGS_Germline_v1.3.4, this variant is classified as Pathogenic. Following criteria are met: 0102 - Loss of function is likely a mechanism of disease in this gene and is associated with porokeratosis 7, multiple types (MIM#614714). (I) 0107 - This gene is associated with autosomal dominant disease. (I) 0112 - The condition associated with this gene has incomplete penetrance. Variable penetrance has been described as it is suspected to cause disease only when a somatic second hit occurs (PMID: 38283795) . (I) 0115 - Variants in this gene are known to have variable expressivity. Individuals in the same family carrying the same pathogenic variant showed different clinical manifestations and severity (PMID: 26202976). (I) 0200 - Variant is predicted to result in a missense amino acid change from phenylalanine to serine. (I) 0251 - This variant is heterozygous. (I) 0302 - Variant is present in gnomAD (v2) <0.001 for a dominant condition (13 heterozygotes, 0 homozygotes). (SP) 0309 - An alternative amino acid change at the same position has been observed in gnomAD (v2) (1 heterozygotes, 0 homozygotes). (I) 0501 - Missense variant consistently predicted to be damaging by multiple in silico tools or highly conserved with a major amino acid change. (SP) 0600 - Variant is located in the annotated mevalonate 5-diphosphate decarboxylase C-terminal domain (DECIPHER). (I) 0705 - No comparable missense variants have previous evidence for pathogenicity. (I) 0801 - This variant has strong previous evidence of pathogenicity in unrelated individuals. This variant has been reported as pathogenic in many individuals with porokeratosis, including both familial cases and sporadic cases (PMIDs: 26202976, 27422687, 29722423, 38283795). (SP) 0901 - This variant has strong evidence for segregation with disease. This variant has been shown to segregate with disease in a large family (PMID: 26202976). (I) Legend: (SP) - Supporting pathogenic, (I) - Information, (SB) - Supporting benign

Juno Genomics, Hangzhou Juno Genomics, Inc
Classification: Likely pathogenic for Porokeratosis 7, multiple types. Review status: criteria provided, single submitter. Criteria: ACMG Guidelines, 2015. Collection method: clinical testing. Allele origin: germline.
Comment: The prevalence of the variant in affected individuals is significantly increased compared to the prevalence in controls.;Patient's phenotype or family history is highly specific for a disease with a single genetic etiology.;Co-segregation with disease in multiple affected family members.

PreventionGenetics, part of Exact Sciences
Classification: Likely pathogenic for MVD-related condition. Last evaluated: 2024-08-23. Review status: no assertion criteria provided. Collection method: clinical testing. Allele origin: germline. Not counted in ClinVar's aggregate classification.
Comment: The MVD c.746T>C variant is predicted to result in the amino acid substitution p.Phe249Ser. This variant has been reported in multiple individuals with porokeratosis (Shi et al. 2020. PubMed ID: 33168400; Shiiya et al. 2021. PubMed ID: 33481264; Wang et al. 2024. PubMed ID: 38283795). Moreover, this variant has been observed to co-segregate with disease in a large family with porokeratosis (Zhang et al. 2015. PubMed ID: 26202976). This variant is reported in 0.069% of alleles in individuals of East Asian descent in gnomAD. This variant is interpreted as likely pathogenic.

OMIM
Classification: Pathogenic for POROKERATOSIS 7, MULTIPLE TYPES. Last evaluated: 2015-07-23. Review status: no assertion criteria provided. Collection method: literature only. Allele origin: germline. Not counted in ClinVar's aggregate classification.

Literature cited by the submitters: PubMed 26202976 (cited by Victorian Clinical Genetics Services, Murdoch Childrens Research Institute and OMIM); PubMed 27422687 (cited by Victorian Clinical Genetics Services, Murdoch Childrens Research Institute); PubMed 29722423 (cited by Victorian Clinical Genetics Services, Murdoch Childrens Research Institute); PubMed 38283795 (cited by Victorian Clinical Genetics Services, Murdoch Childrens Research Institute); PubMed 21161278 (cited by OMIM).